The following is an entry in ClinVar:

ClinVar aggregate classification (germline): Uncertain significance (1 of 4 stars; one submission).

Submission:

GeneDx
Classification: Uncertain significance. Last evaluated: 2022-06-10. Review status: criteria provided, single submitter. Criteria: GeneDx Variant Classification Process June 2021. Collection method: clinical testing. Allele origin: germline. Affected: yes.
Comment: Not observed at significant frequency in large population cohorts (gnomAD); In silico analysis supports that this missense variant does not alter protein structure/function; Has not been previously published as pathogenic or benign to our knowledge

NM_001292063.2(OTOG):c.4942G>A (p.Val1648Met)

Gene: OTOG (otogelin; plus strand). Cytogenetic location: 11p15.1.
Variant type: single nucleotide variant.
Coding change: c.4942G>A on transcript NM_001292063.2 (MANE Select); coding-DNA position 4942, G replaced by A.
Protein change: p.Val1648Met; replaces valine 1648 with methionine.
Molecular consequence: missense variant.
Genome position (GRCh38, 1-based): chr11:17,610,242, G>A. VCF-style: chr11-17610242-G-A. GRCh37 (hg19) VCF-style: chr11-17631789-G-A.
Other names: c.4978G>A, p.Val1660Met (NM_001277269.2); short protein forms V1648M, V1660M.
Identifiers: ClinVar variation 1803660 (VCV001803660.1), dbSNP rs2497532992, ClinGen allele CA379797034.